The following is an entry in ClinVar:

ClinVar aggregate classification (germline): Likely pathogenic. Review status: criteria provided, multiple submitters, no conflicts (2 of 4 stars). 3 submissions from 3 submitters: Likely pathogenic (3). Last evaluated 2026-10-26.

Conditions:
TRIOBP-related disorder. Also called: TRIOBP-related condition.

Allele frequency attached by ClinVar (database versions not stated): gnomAD exomes below 0.00001 and 0.00001; gnomAD 0.00001; TOPMed 0.00002; ExAC 0.00001.
gnomAD v4.1: 8 of 1,613,482 alleles (0.0005%); highest among the groups gnomAD compares: Non-Finnish European, 0.00059%; no homozygotes.

Submissions (3):

GeneDx
Classification: Likely pathogenic. Last evaluated: 2026-10-26. Review status: criteria provided, single submitter. Criteria: GeneDx Variant Classification Process June 2021. Collection method: clinical testing. Allele origin: germline.
Comment: Not observed at a significant frequency in large population cohorts (gnomAD); Canonical splice site variant expected to result in aberrant splicing, although in the absence of functional evidence the actual effect of this sequence change is unknown; Has not been previously published as pathogenic or benign to our knowledge

Labcorp Genetics (formerly Invitae), Labcorp
Classification: Likely pathogenic. Last evaluated: 2024-01-27. Review status: criteria provided, single submitter. Criteria: Invitae Variant Classification Sherloc (09022015). Collection method: clinical testing. Allele origin: germline.
Comment: This sequence change affects an acceptor splice site in intron 13 of the TRIOBP gene. It is expected to disrupt RNA splicing. Variants that disrupt the donor or acceptor splice site typically lead to a loss of protein function (PMID: 16199547), and loss-of-function variants in TRIOBP are known to be pathogenic (PMID: 16385457, 16385458, 20510926). This variant is present in population databases (rs776720591, gnomAD 0.002%). This variant has not been reported in the literature in individuals affected with TRIOBP-related conditions. ClinVar contains an entry for this variant (Variation ID: 423823). Algorithms developed to predict the effect of sequence changes on RNA splicing suggest that this variant may disrupt the consensus splice site. In summary, the currently available evidence indicates that the variant is pathogenic, but additional data are needed to prove that conclusively. Therefore, this variant has been classified as Likely Pathogenic.

Blueprint Genetics
Classification: Likely pathogenic for TRIOBP-related disorders. Last evaluated: 2017-08-21. Review status: criteria provided, single submitter. Criteria: ACMG Guidelines, 2015. Collection method: clinical testing. Allele origin: germline. Affected: yes. Observed: 1 variant allele.

Literature cited by the submitters: PubMed 16199547 (cited by Labcorp Genetics (formerly Invitae), Labcorp); PubMed 16385457 (cited by Labcorp Genetics (formerly Invitae), Labcorp); PubMed 16385458 (cited by Labcorp Genetics (formerly Invitae), Labcorp); PubMed 20510926 (cited by Labcorp Genetics (formerly Invitae), Labcorp).

NM_001039141.3(TRIOBP):c.5488-2A>G

Genes: TRIOBP (TRIO and F-actin binding protein; plus strand), LOC126863145 (CDK7 strongly-dependent group 2 enhancer GRCh37_chr22:38150829-38152028; plus strand). Cytogenetic location: 22q13.1.
Variant type: single nucleotide variant.
Coding change: c.5488-2A>G on transcript NM_001039141.3 (MANE Select); the canonical splice acceptor site of the intron before coding-DNA position 5488, A replaced by G.
Molecular consequence: splice acceptor variant.
Genome position (GRCh38, 1-based): chr22:37,755,099, A>G. VCF-style: chr22-37755099-A-G. GRCh37 (hg19) VCF-style: chr22-38151106-A-G.
Other names: c.349-2A>G (NM_007032.5, NM_138632.2).
Identifiers: ClinVar variation 423823 (VCV000423823.12), dbSNP rs776720591, ClinGen allele CA10224719.
Genomic context (GRCh38, chr22:37,755,099, plus strand): 5'-GGGTTCACTGGGGTGGGTCACACCAGGGCCCACACGGACCATAGTGGGCCCTCTTGCTCC[A>G]GGCAGATGAGCTGGATGGTGAGATCGACCTGCGTTCCTGCACGGATGTCACTGAGTACGC-3'